The following is an entry in ClinVar:

ClinVar aggregate classification (germline): Uncertain significance (1 of 4 stars; one submission).

Conditions:
REEP1-related disorder. Also called: REEP1-related condition.

gnomAD v4.1: 26 of 1,537,120 alleles (0.0017%); highest among the groups gnomAD compares: Non-Finnish European, 0.0021%; no homozygotes.

Submission:

PreventionGenetics, part of Exact Sciences
Classification: Uncertain significance for REEP1-related condition. Last evaluated: 2025-08-12. Review status: criteria provided, single submitter. Criteria: ACMG Guidelines, 2015. Collection method: clinical testing. Allele origin: germline.
Comment: The REEP1 c.2T>C variant is predicted to disrupt the translation initiation site (Start loss). To our knowledge, this variant has not been reported in the literature. Of note, this variant can be referred to as c.-565T>C (pre-coding) with the more commonly reported isoform, NM_001164730.2. This variant is reported in 0.0061% of alleles in individuals of African descent in gnomAD. At this time, the clinical significance of this variant is uncertain due to the absence of conclusive functional and genetic evidence.

NM_001164730.2(REEP1):c.2T>C (p.Met1Thr)

Gene: REEP1 (receptor accessory protein 1; minus strand). Cytogenetic location: 2p11.2.
Variant type: single nucleotide variant.
Coding change: c.2T>C on transcript NM_001164730.2; coding-DNA position 2, T replaced by C.
Protein change: p.Met1Thr; changes the start codon (methionine 1).
Molecular consequence: missense variant, initiator codon variant.
Genome position (GRCh38, 1-based): chr2:86,338,075, A>G on the plus strand (T>C on the coding strand, the complement: REEP1 is on the minus strand). VCF-style: chr2-86338075-A-G. GRCh37 (hg19) VCF-style: chr2-86565198-A-G.
Other names: short protein forms M1T.
Identifiers: ClinVar variation 4981049 (VCV004981049.1).